The following is an entry in ClinVar:

NM_000051.4(ATM):c.6665C>T (p.Pro2222Leu)

Genes: ATM (ATM serine/threonine kinase; plus strand), C11orf65 (chromosome 11 open reading frame 65; minus strand). Cytogenetic location: 11q22.3.
Variant type: single nucleotide variant.
Coding change: c.6665C>T on transcript NM_000051.4 (MANE Select); coding-DNA position 6665, C replaced by T.
Protein change: p.Pro2222Leu; replaces proline 2222 with leucine.
Molecular consequence: missense variant. On other transcripts: intron variant (2).
Genome position (GRCh38, 1-based): chr11:108,325,402, C>T. VCF-style: chr11-108325402-C-T. GRCh37 (hg19) VCF-style: chr11-108196129-C-T.
Other names: c.6665C>T, p.Pro2222Leu (NM_001351834.2); c.641-16331G>A (NM_001330368.2); c.*38+9818G>A (NM_001351110.2); short protein forms P2222L.
Identifiers: ClinVar variation 1754752 (VCV001754752.5), dbSNP rs997021874, ClinGen allele CA382554856.
Genomic context (GRCh38, chr11:108,325,402, plus strand): 5'-ATATTAAGTGGCAGAAACACTCCCAGCTTCTCAAGGACAGTGATTTTAGTTTTCAGGAGC[C>T]TATCATGGCTCTACGCACAGTCATTTTGGAGATCCTGATGGAAAAGGAAATGGACAACTC-3'
Protein context (NP_000042.3, residues 2212-2232): LKDSDFSFQE[Pro2222Leu]IMALRTVILE

ClinVar aggregate classification (germline): Uncertain significance. Review status: criteria provided, multiple submitters, no conflicts (2 of 4 stars). 2 submissions from 2 submitters: Uncertain significance (2). Last evaluated 2024-10-03.

Conditions:
Hereditary cancer-predisposing syndrome. Also called: Hereditary neoplastic syndrome; Neoplastic Syndromes, Hereditary; Tumor predisposition; Hereditary Cancer Syndrome. Identifiers: Orphanet 140162, MedGen C0027672, MeSH D009386, MONDO:0015356.
Ataxia-telangiectasia syndrome (AT). Also called: Ataxia telangiectasia (A-T); LOUIS-BAR SYNDROME; Cerebello-oculocutaneous telangiectasia; Immunodeficiency with ataxia telangiectasia; Ataxia-telangiectasia, complementation group D; AT, COMPLEMENTATION GROUP C. Identifiers: Orphanet 100, MedGen C0004135, MONDO:0008840, OMIM 208900.

Submissions (2):

Labcorp Genetics (formerly Invitae), Labcorp
Classification: Uncertain significance for Ataxia-telangiectasia syndrome. Last evaluated: 2024-10-03. Review status: criteria provided, single submitter. Criteria: Invitae Variant Classification Sherloc (09022015). Collection method: clinical testing. Allele origin: germline.
Comment: This sequence change replaces proline, which is neutral and non-polar, with leucine, which is neutral and non-polar, at codon 2222 of the ATM protein (p.Pro2222Leu). This variant is not present in population databases (gnomAD no frequency). This variant has not been reported in the literature in individuals affected with ATM-related conditions. ClinVar contains an entry for this variant (Variation ID: 1754752). Invitae Evidence Modeling of protein sequence and biophysical properties (such as structural, functional, and spatial information, amino acid conservation, physicochemical variation, residue mobility, and thermodynamic stability) has been performed for this missense variant. However, the output from this modeling did not meet the statistical confidence thresholds required to predict the impact of this variant on ATM protein function. In summary, the available evidence is currently insufficient to determine the role of this variant in disease. Therefore, it has been classified as a Variant of Uncertain Significance.

Ambry Genetics
Classification: Uncertain significance for Hereditary cancer-predisposing syndrome. Last evaluated: 2021-12-12. Review status: criteria provided, single submitter. Criteria: Ambry Variant Classification Scheme 2023. Collection method: clinical testing. Allele origin: germline.
Comment: The p.P2222L variant (also known as c.6665C>T), located in coding exon 45 of the ATM gene, results from a C to T substitution at nucleotide position 6665. The proline at codon 2222 is replaced by leucine, an amino acid with similar properties. This amino acid position is conserved. In addition, this alteration is predicted to be deleterious by in silico analysis. Since supporting evidence is limited at this time, the clinical significance of this alteration remains unclear.